The following is an entry in ClinVar:

ClinVar aggregate classification (germline): Likely benign (1 of 4 stars; one submission).

Allele frequency attached by ClinVar (database versions not stated): 1000 Genomes Project 30x 0.00094; 1000 Genomes Project 0.00100; gnomAD 0.00104; TOPMed 0.00105; ESP Exome Variant Server 0.00115; ExAC 0.00162.

Submission:

CeGaT Center for Human Genetics Tuebingen
Classification: Likely benign. Last evaluated: 2022-04-01. Review status: criteria provided, single submitter. Criteria: CeGaT Center For Human Genetics Tuebingen Variant Classification Criteria Version 2. Collection method: clinical testing. Allele origin: germline. Affected: yes. Observed: 1 variant allele.
Comment: STARD3: BP4, BP7

NM_006804.4(STARD3):c.177C>T (p.Phe59=)

Gene: STARD3 (StAR related lipid transfer domain containing 3; plus strand). Cytogenetic location: 17q12.
Variant type: single nucleotide variant.
Coding change: c.177C>T on transcript NM_006804.4 (MANE Select); coding-DNA position 177, C replaced by T.
Protein change: p.Phe59=; no amino-acid change (phenylalanine 59 retained).
Molecular consequence: synonymous variant.
Genome position (GRCh38, 1-based): chr17:39,653,708, C>T. VCF-style: chr17-39653708-C-T. GRCh37 (hg19) VCF-style: chr17-37809961-C-T.
Other names: c.177C>T, p.Phe59= (NM_001165937.2, NM_001165938.2).
Identifiers: ClinVar variation 2647718 (VCV002647718.24), dbSNP rs150342077, ClinGen allele CA8532219.